The following is an entry in ClinVar:

NM_001164508.2(NEB):c.18304A>G (p.Arg6102Gly)

Gene: NEB (nebulin; minus strand). Cytogenetic location: 2q23.3.
Variant type: single nucleotide variant.
Coding change: c.18304A>G on transcript NM_001164508.2 (MANE Select); coding-DNA position 18304, A replaced by G.
Protein change: p.Arg6102Gly; replaces arginine 6102 with glycine.
Molecular consequence: missense variant.
Genome position (GRCh38, 1-based): chr2:151,565,563, T>C on the plus strand (A>G on the coding strand, the complement: NEB is on the minus strand). VCF-style: chr2-151565563-T-C. GRCh37 (hg19) VCF-style: chr2-152422077-T-C.
Other names: c.18304A>G, p.Arg6102Gly (NM_001164507.2, NM_001271208.2); c.13201A>G, p.Arg4401Gly (NM_004543.5); short protein forms R4401G, R6102G.
Identifiers: ClinVar variation 2571087 (VCV002571087.27), dbSNP rs2552192512, ClinGen allele CA348801294.
Genomic context (GRCh38, chr2:151,565,563, plus strand): 5'-CACTTTGATTGACAGAATTAATCTTGGCTAAAACAATCTCTGGAGGATCCACCACACTTC[T>C]AAAGTTAGGATAGTTTTCAAGGGCATTTTTCTTATATTTGATCTGTAAAGAAACGGAGAC-3'
Protein context (NP_001157980.2, residues 6092-6112): KNALENYPNF[Arg6102Gly]SVVDPPEIVL

ClinVar aggregate classification (germline): Uncertain significance (1 of 4 stars; one submission).

Submission:

CeGaT Center for Human Genetics Tuebingen
Classification: Uncertain significance. Last evaluated: 2023-04-01. Review status: criteria provided, single submitter. Criteria: CeGaT Center For Human Genetics Tuebingen Variant Classification Criteria Version 2. Collection method: clinical testing. Allele origin: germline. Affected: yes. Observed: 1 variant allele.
Comment: NEB: PM2, BP4